The following is an entry in ClinVar:

NM_004360.5(CDH1):c.388-6_393del

Gene: CDH1 (cadherin 1; plus strand). Cytogenetic location: 16q22.1.
Variant type: Deletion.
Coding change: c.388-6_393del on transcript NM_004360.5 (MANE Select); 6 bases into the intron before coding-DNA position 388 through coding-DNA position 393, 12 bases deleted (TTTTAGGCCTCC).
Molecular consequence: splice acceptor variant.
Genome position (GRCh38, 1-based): chr16:68,808,418-68,808,429, TTTTAGGCCTCC deleted; deleting any 12 consecutive bases within chr16:68,808,415-68,808,429 gives the same sequence; the c. name uses the placement nearest the transcript's 3' end. VCF-style (leftmost placement, unchanged base first): chr16-68808414-TTCCTTTTAGGCC-T. GRCh37 (hg19) VCF-style: chr16-68842317-TTCCTTTTAGGCC-T.
Other names: c.-1228-6_-1223del (NM_001317185.2); c.-1432-6_-1427del (NM_001317186.2); c.388-6_393del (NM_001317184.2); c.388-6_393delTTTTAGGCCTCC (NM_004360.3).
Identifiers: ClinVar variation 4813004 (VCV004813004.2).
Genomic context (GRCh38, chr16:68,808,414, plus strand): 5'-GTTGGACTGTTAGACCTGAAGTATCCGTCTTGAATTGTCTTATCTTGTTCCTCATCTTCT[TTCCTTTTAGGCC>T]TCCGTTTCTGGAATCCAAGCAGAATTGCTCACATTTCCCAACTCCTCTCCTGGCCTCAGA-3'

ClinVar aggregate classification (germline): Conflicting classifications of pathogenicity. Review status: criteria provided, conflicting classifications (1 of 4 stars). 2 submissions from 2 submitters: Likely pathogenic (1); Uncertain significance (1). Last evaluated 2026-06-17.

Conditions:
Hereditary diffuse gastric adenocarcinoma (HDGC). Also called: DIFFUSE GASTRIC AND LOBULAR BREAST CANCER SYNDROME. Identifiers: Orphanet 26106, MedGen C1708349, MONDO:0007648, OMIM 137215.
Hereditary cancer-predisposing syndrome. Also called: Neoplastic Syndromes, Hereditary; Tumor predisposition; Hereditary Cancer Syndrome; Hereditary neoplastic syndrome. Identifiers: Orphanet 140162, MedGen C0027672, MeSH D009386, MONDO:0015356.

Submissions (2):

Ambry Genetics
Classification: Uncertain significance for Hereditary cancer-predisposing syndrome. Last evaluated: 2026-06-17. Review status: criteria provided, single submitter. Criteria: Ambry Variant Classification Scheme 2023. Collection method: clinical testing. Allele origin: germline.
Comment: The c.388-6_393del12 variant results from a deletion of 12 nucleotides between positions 388-6 and 393 and involves the canonical splice acceptor site before coding exon 4 of the CDH1 gene. Variants that disrupt the canonical splice site are expected to result in aberrant splicing. In silico splice site analysis predicts that this alteration will weaken the native splice acceptor site and may result in the creation or strengthening of a novel splice acceptor site A resulting transcript is predicted to be in-frame and is not expected to trigger nonsense-mediated mRNAdecay; although, direct evidence is unavailable. The canonical splice acceptor site is highly conserved in available vertebrate species. Based on the available evidence, the clinical significance of this variant remains unclear.

Myriad Genetics, Inc.
Classification: Likely pathogenic for Hereditary diffuse gastric adenocarcinoma. Last evaluated: 2025-12-03. Review status: criteria provided, single submitter. Criteria: Myriad Autosomal Dominant, Autosomal Recessive and X-Linked Classification Criteria (2023). Collection method: clinical testing. Allele origin: unknown.
Comment: This variant is considered likely pathogenic. This variant occurs within a consensus splice junction and is predicted to result in abnormal mRNA splicing of either an out-of-frame exon or an in-frame exon necessary for protein stability and/or normal function.